The following is an entry in ClinVar:

ClinVar aggregate classification (germline): Uncertain significance (1 of 4 stars; one submission).

Allele frequency attached by ClinVar (database versions not stated): gnomAD exomes below 0.00001.
gnomAD v4.1: 1 of 1,614,098 alleles (0.000062%); no homozygotes.

Submission:

GeneDx
Classification: Uncertain significance. Last evaluated: 2021-06-24. Review status: criteria provided, single submitter. Criteria: GeneDx Variant Classification Process June 2021. Collection method: clinical testing. Allele origin: germline. Affected: yes.
Comment: Not observed at significant frequency in large population cohorts (Lek et al., 2016); In silico analysis supports that this missense variant has a deleterious effect on protein structure/function; Has not been previously published as pathogenic or benign to our knowledge; This variant is associated with the following publications: (PMID: 27535533, 24485656, 19609323, 20871615)

NM_024675.4(PALB2):c.2873A>G (p.Gln958Arg)

Gene: PALB2 (partner and localizer of BRCA2; minus strand). Cytogenetic location: 16p12.2.
Variant type: single nucleotide variant.
Coding change: c.2873A>G on transcript NM_024675.4 (MANE Select); coding-DNA position 2873, A replaced by G.
Protein change: p.Gln958Arg; replaces glutamine 958 with arginine.
Molecular consequence: missense variant.
Genome position (GRCh38, 1-based): chr16:23,623,092, T>C on the plus strand (A>G on the coding strand, the complement: PALB2 is on the minus strand). VCF-style: chr16-23623092-T-C. GRCh37 (hg19) VCF-style: chr16-23634413-T-C.
Other names: short protein forms Q958R.
Identifiers: ClinVar variation 1329813 (VCV001329813.2), dbSNP rs876659693, ClinGen allele CA395144380.